The following is an entry in ClinVar:

ClinVar aggregate classification (germline): Uncertain significance. Review status: criteria provided, multiple submitters, no conflicts (2 of 4 stars). 4 submissions from 4 submitters: Uncertain significance (4). Last evaluated 2025-05-29.

Conditions:
Wilson disease (WND). Also called: Wilson's disease. Identifiers: Orphanet 905, MedGen C0019202, MONDO:0010200, OMIM 277900. Disease mechanism: loss of function.

gnomAD v4.1: 3 of 1,614,148 alleles (0.00019%); highest among the groups gnomAD compares: East Asian, 0.0022%; no homozygotes.

Submissions (4):

Color Diagnostics, LLC DBA Color Health
Classification: Uncertain significance for Wilson disease. Last evaluated: 2025-05-29. Review status: criteria provided, single submitter. Criteria: ACMG Guidelines, 2015. Collection method: clinical testing. Allele origin: germline.
Comment: This missense variant replaces methionine with arginine at codon 33 of the ATP7B protein. Computational prediction suggests that this variant may have deleterious impact on protein structure and function. To our knowledge, functional studies have not been reported for this variant. This variant has not been reported in individuals affected with ATP7B-related disorders in the literature. This variant has not been identified in the general population by the Genome Aggregation Database (gnomAD). The available evidence is insufficient to determine the role of this variant in disease conclusively. Therefore, this variant is classified as a Variant of Uncertain Significance.

Labcorp Genetics (formerly Invitae), Labcorp
Classification: Uncertain significance for Wilson disease. Last evaluated: 2024-11-11. Review status: criteria provided, single submitter. Criteria: Invitae Variant Classification Sherloc (09022015). Collection method: clinical testing. Allele origin: germline.
Comment: This sequence change replaces methionine, which is neutral and non-polar, with arginine, which is basic and polar, at codon 33 of the ATP7B protein (p.Met33Arg). This variant is not present in population databases (gnomAD no frequency). This variant has not been reported in the literature in individuals affected with ATP7B-related conditions. ClinVar contains an entry for this variant (Variation ID: 2190688). Invitae Evidence Modeling of protein sequence and biophysical properties (such as structural, functional, and spatial information, amino acid conservation, physicochemical variation, residue mobility, and thermodynamic stability) has been performed for this missense variant. However, the output from this modeling did not meet the statistical confidence thresholds required to predict the impact of this variant on ATP7B protein function. In summary, the available evidence is currently insufficient to determine the role of this variant in disease. Therefore, it has been classified as a Variant of Uncertain Significance.

GeneDx
Classification: Uncertain significance. Last evaluated: 2023-09-14. Review status: criteria provided, single submitter. Criteria: GeneDx Variant Classification Process June 2021. Collection method: clinical testing. Allele origin: germline. Affected: yes.
Comment: Not observed at significant frequency in large population cohorts (gnomAD); In silico analysis supports that this missense variant does not alter protein structure/function; Has not been previously published as pathogenic or benign to our knowledge

Blueprint Genetics
Classification: Uncertain significance. Last evaluated: 2022-06-01. Review status: criteria provided, single submitter. Criteria: ACMG Guidelines, 2015. Collection method: clinical testing. Allele origin: germline.

NM_000053.4(ATP7B):c.98T>G (p.Met33Arg)

Gene: ATP7B (ATPase copper transporting beta; minus strand). Cytogenetic location: 13q14.3.
Variant type: single nucleotide variant.
Coding change: c.98T>G on transcript NM_000053.4 (MANE Select); coding-DNA position 98, T replaced by G.
Protein change: p.Met33Arg; replaces methionine 33 with arginine.
Molecular consequence: missense variant.
Genome position (GRCh38, 1-based): chr13:51,975,122, A>C on the plus strand (T>G on the coding strand, the complement: ATP7B is on the minus strand). VCF-style: chr13-51975122-A-C. GRCh37 (hg19) VCF-style: chr13-52549258-A-C.
Other names: c.98T>G, p.Met33Arg (NM_001005918.3, NM_001243182.2, NM_001330578.2 and 30 more transcripts); c.2T>G, p.Met1Arg (NM_001406517.1, NM_001406518.1, NM_001406530.1 and 4 more transcripts); c.98T>G (NM_000053.3); short protein forms M1R, M33R.
Identifiers: ClinVar variation 2190688 (VCV002190688.5), dbSNP rs184868522, ClinGen allele CA388045339.
Genomic context (GRCh38, chr13:51,975,122, plus strand): 5'-GGGCCCAGGCCATCCAGACCACCTTCATAGCCAACATTGTCAAAAGCAAAACTCTTCTTC[A>C]TTGCTGGTTCCCAGGCACGGGTAGGCAAAGAAAGCTTAGATAAGATCTAAAAAGAAAAGA-3'
Protein context (NP_000044.2, residues 23-43): SLPTRAWEPA[Met33Arg]KKSFAFDNVG